The following is an entry in ClinVar:

NM_001655.5(ARCN1):c.770G>A (p.Arg257His)

Gene: ARCN1 (archain 1 coat protein complex I subunit delta; plus strand). Cytogenetic location: 11q23.3.
Variant type: single nucleotide variant.
Coding change: c.770G>A on transcript NM_001655.5 (MANE Select); coding-DNA position 770, G replaced by A.
Protein change: p.Arg257His; replaces arginine 257 with histidine.
Molecular consequence: missense variant.
Genome position (GRCh38, 1-based): chr11:118,584,596, G>A. VCF-style: chr11-118584596-G-A. GRCh37 (hg19) VCF-style: chr11-118455311-G-A.
Other names: c.506G>A, p.Arg169His (NM_001142281.2); c.770G>A (NM_001655.4); short protein forms R169H, R257H.
Identifiers: ClinVar variation 2413734 (VCV002413734.11), dbSNP rs147950670, ClinGen allele CA6306132.

ClinVar aggregate classification (germline): Likely benign. Review status: criteria provided, multiple submitters, no conflicts (2 of 4 stars). 4 submissions from 4 submitters: Likely benign (4). Last evaluated 2026-08-01.

Conditions:
Inborn genetic diseases. Identifiers: MedGen C0950123, MeSH D030342.

Allele frequency attached by ClinVar (database versions not stated): ESP Exome Variant Server 0.00023; 1000 Genomes Project 0.00040; 1000 Genomes Project 30x 0.00047.
gnomAD v4.1: 93 of 1,612,664 alleles (0.0058%); highest among the groups gnomAD compares: African/African-American, 0.089%; no homozygotes.

Submissions (4):

CeGaT Center for Human Genetics Tuebingen
Classification: Likely benign. Last evaluated: 2026-08-01. Review status: criteria provided, single submitter. Criteria: CeGaT Center For Human Genetics Tuebingen Variant Classification Criteria Version 2. Collection method: clinical testing. Allele origin: germline. Affected: yes. Observed: 2 variant alleles.
Comment: ARCN1: BP4

Labcorp Genetics (formerly Invitae), Labcorp
Classification: Likely benign. Last evaluated: 2026-01-12. Review status: criteria provided, single submitter. Criteria: Invitae Variant Classification Sherloc (09022015). Collection method: clinical testing. Allele origin: germline.

Ambry Genetics
Classification: Likely benign for Inborn genetic diseases. Last evaluated: 2025-04-28. Review status: criteria provided, single submitter. Criteria: Ambry Variant Classification Scheme 2023. Collection method: clinical testing. Allele origin: germline.

Blueprint Genetics
Classification: Likely benign. Last evaluated: 2023-04-26. Review status: criteria provided, single submitter. Criteria: ACMG Guidelines, 2015. Collection method: clinical testing. Allele origin: germline.